The following is an entry in ClinVar:

ClinVar aggregate classification (germline): Uncertain significance (1 of 4 stars; one submission).

Allele frequency attached by ClinVar (database versions not stated): TOPMed below 0.00001; gnomAD 0.00001; gnomAD exomes 0.00001.
gnomAD v4.1: 12 of 1,609,568 alleles (0.00075%); highest among the groups gnomAD compares: African/African-American, 0.0013%; no homozygotes.

Submission:

Labcorp Genetics (formerly Invitae), Labcorp
Classification: Uncertain significance. Last evaluated: 2022-07-17. Review status: criteria provided, single submitter. Criteria: Invitae Variant Classification Sherloc (09022015). Collection method: clinical testing. Allele origin: germline.
Comment: This sequence change affects codon 227 of the XPR1 mRNA. It is a 'silent' change, meaning that it does not change the encoded amino acid sequence of the XPR1 protein. This variant also falls at the last nucleotide of exon 6, which is part of the consensus splice site for this exon. This variant is present in population databases (no rsID available, gnomAD 0.01%). This variant has not been reported in the literature in individuals affected with XPR1-related conditions. ClinVar contains an entry for this variant (Variation ID: 1391940). Variants that disrupt the consensus splice site are a relatively common cause of aberrant splicing (PMID: 17576681, 9536098). Algorithms developed to predict the effect of sequence changes on RNA splicing suggest that this variant is not likely to affect RNA splicing. In summary, the available evidence is currently insufficient to determine the role of this variant in disease. Therefore, it has been classified as a Variant of Uncertain Significance.

Literature cited by the submitters: PubMed 17576681; PubMed 9536098.

NM_004736.4(XPR1):c.681G>A (p.Gln227=)

Gene: XPR1 (xenotropic and polytropic retrovirus receptor 1; plus strand). Cytogenetic location: 1q25.3.
Variant type: single nucleotide variant.
Coding change: c.681G>A on transcript NM_004736.4 (MANE Select); coding-DNA position 681, G replaced by A.
Protein change: p.Gln227=; no amino-acid change (glutamine 227 retained).
Molecular consequence: synonymous variant. On other transcripts: non-coding transcript variant (1).
Genome position (GRCh38, 1-based): chr1:180,806,557, G>A. VCF-style: chr1-180806557-G-A. GRCh37 (hg19) VCF-style: chr1-180775693-G-A.
Other names: c.681G>A, p.Gln227= (NM_001135669.2, NM_001328662.2).
Identifiers: ClinVar variation 1391940 (VCV001391940.9), dbSNP rs1377234630, ClinGen allele CA422227505.
Genomic context (GRCh38, chr1:180,806,557, plus strand): 5'-AGATGGTGACAGACAAAAGGCTATGAAGCGTTTACGTGTCCCCCCTTTGGGAGCTGCTCA[G>A]GTTAGTATTTGGTTCCAGTAGTTTGTTTGGTTTCACCTATTTAATAATCAACACAGTATT-3'
Protein context (NP_004727.2, residues 217-237): RLRVPPLGAA[Gln227=]PAPAWTTFRV